The following is an entry in ClinVar:

ClinVar aggregate classification (germline): Uncertain significance (1 of 4 stars; one submission).

Conditions:
Familial cancer of breast. Also called: Hereditary breast cancer; BREAST CANCER, FAMILIAL; hereditary breast carcinoma. Identifiers: Orphanet 227535, MedGen C0346153, MONDO:0016419, OMIM 114480. Disease mechanism: loss of function.
Fanconi anemia complementation group J. Also called: BRIP1-Related Fanconi Anemia. Identifiers: Orphanet 84, MedGen C1836860, MONDO:0012187, OMIM 609054.

Submission:

Labcorp Genetics (formerly Invitae), Labcorp
Classification: Uncertain significance for Familial cancer of breast; Fanconi anemia complementation group J. Last evaluated: 2019-08-18. Review status: criteria provided, single submitter. Criteria: Invitae Variant Classification Sherloc (09022015). Collection method: clinical testing. Allele origin: germline.
Comment: This variant is not present in population databases (ExAC no frequency). This variant has not been reported in the literature in individuals with BRIP1-related conditions. Algorithms developed to predict the effect of missense changes on protein structure and function are either unavailable or do not agree on the potential impact of this missense change (SIFT: "Deleterious"; PolyPhen-2: "Probably Damaging"; Align-GVGD: "Class C15"). This sequence change replaces histidine with aspartic acid at codon 253 of the BRIP1 protein (p.His253Asp). The histidine residue is highly conserved and there is a moderate physicochemical difference between histidine and aspartic acid. Algorithms developed to predict the effect of sequence changes on RNA splicing suggest that this variant may create or strengthen a splice site, but this prediction has not been confirmed by published transcriptional studies. In summary, the available evidence is currently insufficient to determine the role of this variant in disease. Therefore, it has been classified as a Variant of Uncertain Significance.

NM_032043.3(BRIP1):c.757C>G (p.His253Asp)

Gene: BRIP1 (BRCA1 interacting DNA helicase 1; minus strand). Cytogenetic location: 17q23.2.
Variant type: single nucleotide variant.
Coding change: c.757C>G on transcript NM_032043.3 (MANE Select); coding-DNA position 757, C replaced by G.
Protein change: p.His253Asp; replaces histidine 253 with aspartic acid.
Molecular consequence: missense variant.
Genome position (GRCh38, 1-based): chr17:61,808,628, G>C on the plus strand (C>G on the coding strand, the complement: BRIP1 is on the minus strand). VCF-style: chr17-61808628-G-C. GRCh37 (hg19) VCF-style: chr17-59885989-G-C.
Other names: short protein forms H253D.
Identifiers: ClinVar variation 961158 (VCV000961158.10), dbSNP rs2078112338, ClinGen allele CA400484977.